The following is an entry in ClinVar:

ClinVar aggregate classification (germline): Uncertain significance (1 of 4 stars; one submission).

Allele frequency attached by ClinVar (database versions not stated): gnomAD exomes below 0.00001.
gnomAD v4.1: 1 of 1,610,010 alleles (0.000062%); highest among the groups gnomAD compares: Non-Finnish European, 0.000085%; no homozygotes.

Submission:

Labcorp Genetics (formerly Invitae), Labcorp
Classification: Uncertain significance. Last evaluated: 2022-06-13. Review status: criteria provided, single submitter. Criteria: Invitae Variant Classification Sherloc (09022015). Collection method: clinical testing. Allele origin: germline.
Comment: In summary, the available evidence is currently insufficient to determine the role of this variant in disease. Therefore, it has been classified as a Variant of Uncertain Significance. Algorithms developed to predict the effect of missense changes on protein structure and function (SIFT, PolyPhen-2, Align-GVGD) all suggest that this variant is likely to be disruptive. This variant has not been reported in the literature in individuals affected with CACNA1E-related conditions. This variant is not present in population databases (gnomAD no frequency). This sequence change replaces arginine, which is basic and polar, with tryptophan, which is neutral and slightly polar, at codon 1814 of the CACNA1E protein (p.Arg1814Trp).

NM_001205293.3(CACNA1E):c.5440C>T (p.Arg1814Trp)

Gene: CACNA1E (calcium voltage-gated channel subunit alpha1 E; plus strand). Cytogenetic location: 1q25.3.
Variant type: single nucleotide variant.
Coding change: c.5440C>T on transcript NM_001205293.3 (MANE Select); coding-DNA position 5440, C replaced by T.
Protein change: p.Arg1814Trp; replaces arginine 1814 with tryptophan.
Molecular consequence: missense variant.
Genome position (GRCh38, 1-based): chr1:181,783,754, C>T. VCF-style: chr1-181783754-C-T. GRCh37 (hg19) VCF-style: chr1-181752890-C-T.
Other names: c.5440C>T, p.Arg1814Trp (NM_000721.4); c.5383C>T, p.Arg1795Trp (NM_001205294.2); short protein forms R1814W, R1795W.
Identifiers: ClinVar variation 1372106 (VCV001372106.8), dbSNP rs2102834570, ClinGen allele CA343630542.